The following is an entry in ClinVar:

NM_016122.3(CEP83):c.2026T>C (p.Ser676Pro)

Gene: CEP83 (centrosomal protein 83; minus strand). Cytogenetic location: 12q22.
Variant type: single nucleotide variant.
Coding change: c.2026T>C on transcript NM_016122.3 (MANE Select); coding-DNA position 2026, T replaced by C.
Protein change: p.Ser676Pro; replaces serine 676 with proline.
Molecular consequence: missense variant. On other transcripts: non-coding transcript variant (2).
Genome position (GRCh38, 1-based): chr12:94,308,893, A>G on the plus strand (T>C on the coding strand, the complement: CEP83 is on the minus strand). VCF-style: chr12-94308893-A-G. GRCh37 (hg19) VCF-style: chr12-94702669-A-G.
Other names: c.2026T>C, p.Ser676Pro (NM_001042399.2, NM_001346457.2, NM_001368037.1 and 1 more transcripts); c.1714T>C, p.Ser572Pro (NM_001346458.2, NM_001346459.2, NM_001368039.1 and 1 more transcripts); c.1801T>C, p.Ser601Pro (NM_001368041.1); short protein forms S601P, S676P, S572P.
Identifiers: ClinVar variation 3698674 (VCV003698674.2).

ClinVar aggregate classification (germline): Uncertain significance (1 of 4 stars; one submission).

Conditions:
Nephronophthisis 18 (NPHP18). Identifiers: Orphanet 655, MedGen C3890591, MONDO:0014374, OMIM 615862.

gnomAD v4.1: 3 of 1,611,954 alleles (0.00019%); highest among the groups gnomAD compares: Admixed American, 0.005%; no homozygotes.

Submission:

Labcorp Genetics (formerly Invitae), Labcorp
Classification: Uncertain significance for Nephronophthisis 18. Last evaluated: 2024-09-03. Review status: criteria provided, single submitter. Criteria: Invitae Variant Classification Sherloc (09022015). Collection method: clinical testing. Allele origin: germline.
Comment: This sequence change replaces serine, which is neutral and polar, with proline, which is neutral and non-polar, at codon 676 of the CEP83 protein (p.Ser676Pro). This variant is present in population databases (rs767774560, gnomAD 0.009%). This variant has not been reported in the literature in individuals affected with CEP83-related conditions. An algorithm developed to predict the effect of missense changes on protein structure and function (PolyPhen-2) suggests that this variant is likely to be disruptive. In summary, the available evidence is currently insufficient to determine the role of this variant in disease. Therefore, it has been classified as a Variant of Uncertain Significance.